The following is an entry in ClinVar:

ClinVar aggregate classification (germline): Uncertain significance (1 of 4 stars; one submission).

gnomAD v4.1: 1 of 1,614,180 alleles (0.000062%); highest among the groups gnomAD compares: Non-Finnish European, 0.000085%; no homozygotes.

Submission:

Ambry Genetics
Classification: Uncertain significance. Last evaluated: 2024-04-27. Review status: criteria provided, single submitter. Criteria: Ambry Variant Classification Scheme 2023. Collection method: clinical testing. Allele origin: germline.
Comment: The p.N209D variant (also known as c.625A>G), located in coding exon 1 of the PALLD gene, results from an A to G substitution at nucleotide position 625. The asparagine at codon 209 is replaced by aspartic acid, an amino acid with highly similar properties. This amino acid position is conserved. In addition, this alteration is predicted to be tolerated by in silico analysis. Since supporting evidence is limited at this time, the clinical significance of this alteration remains unclear.

NM_001166108.2(PALLD):c.625A>G (p.Asn209Asp)

Gene: PALLD (palladin, cytoskeletal associated protein; plus strand). Cytogenetic location: 4q32.3.
Variant type: single nucleotide variant.
Coding change: c.625A>G on transcript NM_001166108.2 (MANE Select); coding-DNA position 625, A replaced by G.
Protein change: p.Asn209Asp; replaces asparagine 209 with aspartic acid.
Molecular consequence: missense variant.
Genome position (GRCh38, 1-based): chr4:168,512,129, A>G. VCF-style: chr4-168512129-A-G. GRCh37 (hg19) VCF-style: chr4-169433280-A-G.
Other names: c.625A>G, p.Asn209Asp (NM_016081.4); short protein forms N209D.
Identifiers: ClinVar variation 1752474 (VCV001752474.3), dbSNP rs1762580221, ClinGen allele CA358727481.